The following is an entry in ClinVar:

ClinVar aggregate classification (germline): Uncertain significance (1 of 4 stars; one submission).

Conditions:
Baller-Gerold syndrome (BGS). Also called: CRANIOSYNOSTOSIS WITH RADIAL DEFECTS. Identifiers: Orphanet 1225, MedGen C0265308, MONDO:0009039, OMIM 218600.

Allele frequency attached by ClinVar (database versions not stated): gnomAD 0.00001; gnomAD exomes 0.00001; ExAC 0.00002; TOPMed 0.00002.
gnomAD v4.1: 9 of 1,612,686 alleles (0.00056%); highest among the groups gnomAD compares: Admixed American, 0.0033%; no homozygotes.

Submission:

Labcorp Genetics (formerly Invitae), Labcorp
Classification: Uncertain significance for Baller-Gerold syndrome. Last evaluated: 2023-10-18. Review status: criteria provided, single submitter. Criteria: Invitae Variant Classification Sherloc (09022015). Collection method: clinical testing. Allele origin: germline.
Comment: This sequence change replaces proline, which is neutral and non-polar, with serine, which is neutral and polar, at codon 439 of the RECQL4 protein (p.Pro439Ser). This variant is present in population databases (rs776349086, gnomAD 0.006%). This variant has not been reported in the literature in individuals affected with RECQL4-related conditions. ClinVar contains an entry for this variant (Variation ID: 406985). Advanced modeling of protein sequence and biophysical properties (such as structural, functional, and spatial information, amino acid conservation, physicochemical variation, residue mobility, and thermodynamic stability) performed at Invitae indicates that this missense variant is not expected to disrupt RECQL4 protein function. In summary, the available evidence is currently insufficient to determine the role of this variant in disease. Therefore, it has been classified as a Variant of Uncertain Significance.

NM_004260.4(RECQL4):c.1315C>T (p.Pro439Ser)

Gene: RECQL4 (RecQ like helicase 4; minus strand). Cytogenetic location: 8q24.3.
Variant type: single nucleotide variant.
Coding change: c.1315C>T on transcript NM_004260.4 (MANE Select); coding-DNA position 1315, C replaced by T.
Protein change: p.Pro439Ser; replaces proline 439 with serine.
Molecular consequence: missense variant.
Genome position (GRCh38, 1-based): chr8:144,515,401, G>A on the plus strand (C>T on the coding strand, the complement: RECQL4 is on the minus strand). VCF-style: chr8-144515401-G-A. GRCh37 (hg19) VCF-style: chr8-145740785-G-A.
Other names: short protein forms P439S.
Identifiers: ClinVar variation 406985 (VCV000406985.5), dbSNP rs776349086, ClinGen allele CA4948915.
Genomic context (GRCh38, chr8:144,515,401, plus strand): 5'-AGGGCCCCAGGGAGTAGAGTGGCAGCACGGTGGGGTCCAGGCTGGGCACCTCAGGTACAG[G>A]TTGTGGTGAAGGAACCAGTGGCTCAGGCCCAACAGCATCTGTGTCTTCCTCACTTGCTGG-3'
Protein context (NP_004251.4, residues 429-449): GPEPLVPSPQ[Pro439Ser]VPEVPSLDPT